The following is an entry in ClinVar:

ClinVar aggregate classification (germline): Uncertain significance (1 of 4 stars; one submission).

Allele frequency attached by ClinVar (database versions not stated): gnomAD exomes below 0.00001.
gnomAD v4.1: 6 of 1,613,906 alleles (0.00037%); highest among the groups gnomAD compares: Non-Finnish European, 0.00051%; no homozygotes.

Submission:

GeneDx
Classification: Uncertain significance. Last evaluated: 2023-01-10. Review status: criteria provided, single submitter. Criteria: GeneDx Variant Classification Process June 2021. Collection method: clinical testing. Allele origin: germline. Affected: yes.
Comment: Not observed at significant frequency in large population cohorts (gnomAD); In silico analysis supports that this missense variant does not alter protein structure/function; Has not been previously published as pathogenic or benign to our knowledge

NM_021224.6(ZNF462):c.3673G>T (p.Val1225Leu)

Gene: ZNF462 (zinc finger protein 462; plus strand). Cytogenetic location: 9q31.2.
Variant type: single nucleotide variant.
Coding change: c.3673G>T on transcript NM_021224.6 (MANE Select); coding-DNA position 3673, G replaced by T.
Protein change: p.Val1225Leu; replaces valine 1225 with leucine.
Molecular consequence: missense variant. On other transcripts: intron variant (1).
Genome position (GRCh38, 1-based): chr9:106,927,585, G>T. VCF-style: chr9-106927585-G-T. GRCh37 (hg19) VCF-style: chr9-109689866-G-T.
Other names: c.3252+421G>T (NM_001347997.2); short protein forms V1225L.
Identifiers: ClinVar variation 1314628 (VCV001314628.2), dbSNP rs1031443704, ClinGen allele CA197489949.